The following is an entry in ClinVar:

NM_020975.6(RET):c.2136+763G>A

Gene: RET (ret proto-oncogene; plus strand). Cytogenetic location: 10q11.21.
Variant type: single nucleotide variant.
Coding change: c.2136+763G>A on transcript NM_020975.6 (MANE Select); 763 bases into the intron after coding-DNA position 2136, G replaced by A.
Molecular consequence: intron variant.
Genome position (GRCh38, 1-based): chr10:43,115,499, G>A. VCF-style: chr10-43115499-G-A. GRCh37 (hg19) VCF-style: chr10-43610947-G-A.
Other names: c.1239+763G>A (NM_001406782.1, NM_001406780.1, NM_001406779.1 and 1 more transcripts); c.1104+763G>A (NM_001406787.1); c.1119+763G>A (NM_001406785.1); c.2007+763G>A (NM_001406764.1, NM_001406762.1, NM_001406761.1); c.1872+763G>A (NM_001406768.1); c.1611+763G>A (NM_001406774.1); c.1110+763G>A (NM_001406786.1, NM_001406783.1); c.1848+763G>A (NM_001406770.1, NM_001406766.1, NM_001406767.1); and 10 more.
Identifiers: ClinVar variation 2640417 (VCV002640417.24), dbSNP rs555731175, ClinGen allele CA206263274.
Genomic context (GRCh38, chr10:43,115,499, plus strand): 5'-AACACCCAGCCCTCGGTAAGGGTGTGAGCCAAGGAGGCCTTCCCAGATGTGGCCACTGCC[G>A]CTTCCCCACCAGCTTTCCTAATTGGTGGTCCCCATCCTGGCCTGGCTGCAGCTTAGCCTC-3'

ClinVar aggregate classification (germline): Likely benign (1 of 4 stars; one submission).

Allele frequency attached by ClinVar (database versions not stated): TOPMed 0.00029; gnomAD 0.00046; 1000 Genomes Project 0.00200; 1000 Genomes Project 30x 0.00250.
gnomAD v4.1: 69 of 152,346 alleles (0.045%); highest among the groups gnomAD compares: South Asian, 0.66%; no homozygotes.

Submission:

CeGaT Center for Human Genetics Tuebingen
Classification: Likely benign. Last evaluated: 2026-08-01. Review status: criteria provided, single submitter. Criteria: CeGaT Center For Human Genetics Tuebingen Variant Classification Criteria Version 2. Collection method: clinical testing. Allele origin: germline. Affected: yes. Observed: 5 variant alleles.
Comment: RET: BS1